The following is an entry in ClinVar:

NM_024675.4(PALB2):c.2683G>A (p.Val895Ile)

Gene: PALB2 (partner and localizer of BRCA2; minus strand). Cytogenetic location: 16p12.2.
Variant type: single nucleotide variant.
Coding change: c.2683G>A on transcript NM_024675.4 (MANE Select); coding-DNA position 2683, G replaced by A.
Protein change: p.Val895Ile; replaces valine 895 with isoleucine.
Molecular consequence: missense variant.
Genome position (GRCh38, 1-based): chr16:23,626,301, C>T on the plus strand (G>A on the coding strand, the complement: PALB2 is on the minus strand). VCF-style: chr16-23626301-C-T. GRCh37 (hg19) VCF-style: chr16-23637622-C-T.
Other names: c.2623G>A, p.Val875Ile (NM_001407296.1); c.2611G>A, p.Val871Ile (NM_001407297.1); c.2683G>A, p.Val895Ile (NM_001407299.1, NM_001407300.1, NM_001407301.1); c.1798G>A, p.Val600Ile (NM_001407304.1, NM_001407305.1, NM_001407306.1 and 4 more transcripts); c.895G>A, p.Val299Ile (NM_001407312.1, NM_001407313.1); c.217G>A, p.Val73Ile (NM_001407314.1); short protein forms V871I, V875I, V299I, V73I, V895I, V600I.
Identifiers: ClinVar variation 1794700 (VCV001794700.2), dbSNP rs1597085101, ClinGen allele CA395122000.

ClinVar aggregate classification (germline): Uncertain significance (1 of 4 stars; one submission).

Conditions:
Hereditary cancer-predisposing syndrome. Also called: Tumor predisposition; Hereditary Cancer Syndrome; Neoplastic Syndromes, Hereditary; Hereditary neoplastic syndrome. Identifiers: Orphanet 140162, MedGen C0027672, MeSH D009386, MONDO:0015356.

Submission:

Ambry Genetics
Classification: Uncertain significance for Hereditary cancer-predisposing syndrome. Last evaluated: 2022-06-14. Review status: criteria provided, single submitter. Criteria: Ambry Variant Classification Scheme 2023. Collection method: clinical testing. Allele origin: germline.
Comment: The p.V895I variant (also known as c.2683G>A), located in coding exon 7 of the PALB2 gene, results from a G to A substitution at nucleotide position 2683. The valine at codon 895 is replaced by isoleucine, an amino acid with highly similar properties. This amino acid position is highly conserved in available vertebrate species. In addition, this alteration is predicted to be tolerated by in silico analysis. Since supporting evidence is limited at this time, the clinical significance of this alteration remains unclear.